The following is an entry in ClinVar:

ClinVar aggregate classification (germline): Uncertain significance (1 of 4 stars; one submission).

Allele frequency attached by ClinVar (database versions not stated): TOPMed below 0.00001.
gnomAD v4.1: 2 of 1,612,052 alleles (0.00012%); highest among the groups gnomAD compares: Non-Finnish European, 0.000085%; no homozygotes.

Submission:

Labcorp Genetics (formerly Invitae), Labcorp
Classification: Uncertain significance. Last evaluated: 2023-10-13. Review status: criteria provided, single submitter. Criteria: Invitae Variant Classification Sherloc (09022015). Collection method: clinical testing. Allele origin: germline.
Comment: This sequence change replaces leucine, which is neutral and non-polar, with glutamine, which is neutral and polar, at codon 140 of the PDE3A protein (p.Leu140Gln). This variant is not present in population databases (gnomAD no frequency). This variant has not been reported in the literature in individuals affected with PDE3A-related conditions. This missense change has been observed in at least one individual who was not affected with PDE3A-related conditions (Invitae). An algorithm developed to predict the effect of missense changes on protein structure and function (PolyPhen-2) suggests that this variant is likely to be disruptive. In summary, the available evidence is currently insufficient to determine the role of this variant in disease. Therefore, it has been classified as a Variant of Uncertain Significance.

NM_000921.5(PDE3A):c.419T>A (p.Leu140Gln)

Genes: PDE3A (phosphodiesterase 3A; plus strand), PDE3A-AS1 (PDE3A antisense RNA 1; minus strand), LOC124625920 (Sharpr-MPRA regulatory region 8059; plus strand). Cytogenetic location: 12p12.2.
Variant type: single nucleotide variant.
Coding change: c.419T>A on transcript NM_000921.5 (MANE Select); coding-DNA position 419, T replaced by A.
Protein change: p.Leu140Gln; replaces leucine 140 with glutamine.
Molecular consequence: missense variant. On other transcripts: 5 prime UTR variant (1).
Genome position (GRCh38, 1-based): chr12:20,369,703, T>A. VCF-style: chr12-20369703-T-A. GRCh37 (hg19) VCF-style: chr12-20522637-T-A.
Other names: c.419T>A, p.Leu140Gln (NM_001378407.1); c.-610T>A (NM_001378408.1); short protein forms L140Q.
Identifiers: ClinVar variation 2888997 (VCV002888997.3), dbSNP rs1943425581, ClinGen allele CA384294167.